The following is an entry in ClinVar:

NM_020366.4(RPGRIP1):c.3689A>G (p.Tyr1230Cys)

Gene: RPGRIP1 (RPGR interacting protein 1; plus strand). Cytogenetic location: 14q11.2.
Variant type: single nucleotide variant.
Coding change: c.3689A>G on transcript NM_020366.4 (MANE Select); coding-DNA position 3689, A replaced by G.
Protein change: p.Tyr1230Cys; replaces tyrosine 1230 with cysteine.
Molecular consequence: missense variant.
Genome position (GRCh38, 1-based): chr14:21,348,243, A>G. VCF-style: chr14-21348243-A-G. GRCh37 (hg19) VCF-style: chr14-21816402-A-G.
Other names: c.1667A>G, p.Tyr556Cys (NM_001377523.1, NM_001377950.1); c.2615A>G, p.Tyr872Cys (NM_001377948.1); c.1775A>G, p.Tyr592Cys (NM_001377949.1); c.1172A>G, p.Tyr391Cys (NM_001377951.1); short protein forms Y1230C, Y391C, Y556C, Y872C, Y592C.
Identifiers: ClinVar variation 1990734 (VCV001990734.2), dbSNP rs1885764965, ClinGen allele CA388858106.

ClinVar aggregate classification (germline): Uncertain significance (1 of 4 stars; one submission).

Conditions:
Leber congenital amaurosis 6 (LCA6). Identifiers: Orphanet 65, MedGen C1854260, MONDO:0013446, OMIM 613826.
Cone-rod dystrophy 13 (CORD13). Identifiers: Orphanet 1872, MedGen C2750720, MONDO:0011987, OMIM 608194.

Allele frequency attached by ClinVar (database versions not stated): gnomAD exomes below 0.00001; TOPMed below 0.00001.
gnomAD v4.1: 5 of 1,591,110 alleles (0.00031%); highest among the groups gnomAD compares: Non-Finnish European, 0.00043%; no homozygotes.

Submission:

Labcorp Genetics (formerly Invitae), Labcorp
Classification: Uncertain significance for Leber congenital amaurosis 6; Cone-rod dystrophy 13. Last evaluated: 2022-04-01. Review status: criteria provided, single submitter. Criteria: Invitae Variant Classification Sherloc (09022015). Collection method: clinical testing. Allele origin: germline.
Comment: In summary, the available evidence is currently insufficient to determine the role of this variant in disease. Therefore, it has been classified as a Variant of Uncertain Significance. Algorithms developed to predict the effect of missense changes on protein structure and function are either unavailable or do not agree on the potential impact of this missense change (SIFT: "Deleterious"; PolyPhen-2: "Probably Damaging"; Align-GVGD: "Class C0"). This variant has not been reported in the literature in individuals affected with RPGRIP1-related conditions. This variant is not present in population databases (gnomAD no frequency). This sequence change replaces tyrosine, which is neutral and polar, with cysteine, which is neutral and slightly polar, at codon 1230 of the RPGRIP1 protein (p.Tyr1230Cys).